The following is an entry in ClinVar:

NM_130849.4(SLC39A4):c.339C>T (p.Asp113=)

Gene: SLC39A4 (solute carrier family 39 member 4; minus strand). Cytogenetic location: 8q24.3.
Variant type: single nucleotide variant.
Coding change: c.339C>T on transcript NM_130849.4 (MANE Select); coding-DNA position 339, C replaced by T.
Protein change: p.Asp113=; no amino-acid change (aspartic acid 113 retained).
Molecular consequence: synonymous variant. On other transcripts: intron variant (1).
Genome position (GRCh38, 1-based): chr8:144,415,945, G>A on the plus strand (C>T on the coding strand, the complement: SLC39A4 is on the minus strand). VCF-style: chr8-144415945-G-A. GRCh37 (hg19) VCF-style: chr8-145641329-G-A.
Other names: c.264C>T, p.Asp88= (NM_017767.3); c.193-526C>T (NM_001374839.1).
Identifiers: ClinVar variation 719022 (VCV000719022.35), dbSNP rs374534193, ClinGen allele CA4941735.
Genomic context (GRCh38, chr8:144,415,945, plus strand): 5'-GGGGCTCTCGAGCAGGGCCAGGAGGTGGTCTGCATGAGAGGCCCAGAGGCCAGCCCGAGC[G>A]TCCTCACAGGTGCCCTCGGGGTTGCTGAGGTACAGGACGGCGGCGGCACTGAGGCGGGCG-3'
Protein context (NP_570901.3, residues 103-123): YLSNPEGTCE[Asp113=]ARAGLWASHA

ClinVar aggregate classification (germline): Likely benign. Review status: criteria provided, multiple submitters, no conflicts (2 of 4 stars). 4 submissions from 4 submitters: Likely benign (3). 1 of the submissions does not count toward it. Last evaluated 2026-02-02.

Conditions:
Hereditary acrodermatitis enteropathica (AEZ). Also called: Acrodermatitis enteropathica. Identifiers: Orphanet 37, MedGen C0221036, MONDO:0008713, OMIM 201100.

Allele frequency attached by ClinVar (database versions not stated): ESP Exome Variant Server 0.00023; gnomAD 0.00029 and 0.00031; TOPMed 0.00048; 1000 Genomes Project 30x 0.00062.
gnomAD v4.1: 164 of 1,594,430 alleles (0.01%); highest among the groups gnomAD compares: African/African-American, 0.11%; no homozygotes.

Submissions (4):

Labcorp Genetics (formerly Invitae), Labcorp
Classification: Likely benign. Last evaluated: 2026-02-02. Review status: criteria provided, single submitter. Criteria: Invitae Variant Classification Sherloc (09022015). Collection method: clinical testing. Allele origin: germline.

Blueprint Genetics
Classification: Likely benign. Last evaluated: 2024-09-13. Review status: criteria provided, single submitter. Criteria: ACMG Guidelines, 2015. Collection method: clinical testing. Allele origin: germline.

CeGaT Center for Human Genetics Tuebingen
Classification: Likely benign. Last evaluated: 2022-07-01. Review status: criteria provided, single submitter. Criteria: CeGaT Center For Human Genetics Tuebingen Variant Classification Criteria Version 2. Collection method: clinical testing. Allele origin: germline. Affected: yes. Observed: 1 variant allele.
Comment: SLC39A4: BP4, BP7

Natera, Inc.
Classification: Uncertain significance for Acrodermatitis enteropathica. Last evaluated: 2020-01-24. Review status: no assertion criteria provided. Collection method: clinical testing. Allele origin: germline. Not counted in ClinVar's aggregate classification.